The following is an entry in ClinVar:

NM_001374736.1(DST):c.3272G>A (p.Arg1091Lys)

Gene: DST (dystonin; minus strand). Cytogenetic location: 6p12.1.
Variant type: single nucleotide variant.
Coding change: c.3272G>A on transcript NM_001374736.1 (MANE Select); coding-DNA position 3272, G replaced by A.
Protein change: p.Arg1091Lys; replaces arginine 1091 with lysine.
Molecular consequence: missense variant.
Genome position (GRCh38, 1-based): chr6:56,634,868, C>T on the plus strand (G>A on the coding strand, the complement: DST is on the minus strand). VCF-style: chr6-56634868-C-T. GRCh37 (hg19) VCF-style: chr6-56499666-C-T.
Other names: c.3173G>A, p.Arg1058Lys (NM_001144769.5); c.2759G>A, p.Arg920Lys (NM_001144770.2); c.3272G>A, p.Arg1091Lys (NM_001374722.1); c.2639G>A, p.Arg880Lys (NM_001374729.1, NM_001374730.1, NM_001386100.1 and 1 more transcripts); c.3299G>A, p.Arg1100Lys (NM_001374734.1); c.1661G>A, p.Arg554Lys (NM_001723.7, NM_015548.5); short protein forms R554K, R920K, R1058K, R880K, R1091K, R1100K.
Identifiers: ClinVar variation 576686 (VCV000576686.11), dbSNP rs377642785, ClinGen allele CA139217667.

ClinVar aggregate classification (germline): Uncertain significance. Review status: criteria provided, multiple submitters, no conflicts (2 of 4 stars). 2 submissions from 2 submitters: Uncertain significance (2). Last evaluated 2025-12-06.

Conditions:
Hereditary sensory and autonomic neuropathy type 6. Also called: Neuropathy, hereditary sensory and autonomic, type VI; HSAN VI. Identifiers: Orphanet 314381, MedGen C3539003, MONDO:0013839, OMIM 614653.
Epidermolysis bullosa simplex 3, localized or generalized intermediate, with BP230 deficiency (EBS3). Also called: Epidermolysis bullosa simplex, autosomal recessive 2; Epidermolysis bullosa simplex due to BP230 deficiency. Identifiers: Orphanet 412181, MedGen C3809470, MONDO:0014180, OMIM 615425.
Inborn genetic diseases. Identifiers: MedGen C0950123, MeSH D030342.

Allele frequency attached by ClinVar (database versions not stated): gnomAD exomes below 0.00001 and 0.00001; gnomAD 0.00001 and 0.00002; TOPMed 0.00002.
gnomAD v4.1: 16 of 1,613,828 alleles (0.00099%); highest among the groups gnomAD compares: East Asian, 0.0067%; no homozygotes.

Submissions (2):

Labcorp Genetics (formerly Invitae), Labcorp
Classification: Uncertain significance for Epidermolysis bullosa simplex 3, localized or generalized intermediate, with BP230 deficiency; Hereditary sensory and autonomic neuropathy type 6. Last evaluated: 2025-12-06. Review status: criteria provided, single submitter. Criteria: Invitae Variant Classification Sherloc (09022015). Collection method: clinical testing. Allele origin: germline.
Comment: This sequence change replaces arginine, which is basic and polar, with lysine, which is basic and polar, at codon 554 of the DST protein (p.Arg554Lys). This variant is present in population databases (rs377642785, gnomAD 0.01%). This variant has not been reported in the literature in individuals affected with DST-related conditions. ClinVar contains an entry for this variant (Variation ID: 576686). An algorithm developed to predict the effect of missense changes on protein structure and function (PolyPhen-2) suggests that this variant is likely to be disruptive. In summary, the available evidence is currently insufficient to determine the role of this variant in disease. Therefore, it has been classified as a Variant of Uncertain Significance.

Ambry Genetics
Classification: Uncertain significance for Inborn genetic diseases. Last evaluated: 2019-11-20. Review status: criteria provided, single submitter. Criteria: Ambry Variant Classification Scheme 2023. Collection method: clinical testing. Allele origin: germline.
Comment: The p.R1058K variant (also known as c.3173G>A), located in coding exon 24 of the DST gene, results from a G to A substitution at nucleotide position 3173. The arginine at codon 1058 is replaced by lysine, an amino acid with highly similar properties. This amino acid position is highly conserved in available vertebrate species. In addition, this alteration is predicted to be deleterious by in silico analysis. Since supporting evidence is limited at this time, the clinical significance of this alteration remains unclear.